The following is an entry in ClinVar:

ClinVar aggregate classification (germline): Uncertain significance (1 of 4 stars; one submission).

Conditions:
Inborn genetic diseases. Identifiers: MedGen C0950123, MeSH D030342.

gnomAD v4.1: 2 of 1,611,350 alleles (0.00012%); highest among the groups gnomAD compares: Non-Finnish European, 0.00017%; no homozygotes.

Submission:

Ambry Genetics
Classification: Uncertain significance for Inborn genetic diseases. Last evaluated: 2023-05-21. Review status: criteria provided, single submitter. Criteria: Ambry Variant Classification Scheme 2023. Collection method: clinical testing. Allele origin: germline.
Comment: The p.V239M variant (also known as c.715G>A), located in coding exon 7 of the LRRK2 gene, results from a G to A substitution at nucleotide position 715. The valine at codon 239 is replaced by methionine, an amino acid with highly similar properties. This amino acid position is conserved. In addition, this alteration is predicted to be tolerated by in silico analysis. Since supporting evidence is limited at this time, the clinical significance of this alteration remains unclear.

NM_198578.4(LRRK2):c.715G>A (p.Val239Met)

Gene: LRRK2 (leucine rich repeat kinase 2; plus strand). Cytogenetic location: 12q12.
Variant type: single nucleotide variant.
Coding change: c.715G>A on transcript NM_198578.4 (MANE Select); coding-DNA position 715, G replaced by A.
Protein change: p.Val239Met; replaces valine 239 with methionine.
Molecular consequence: missense variant.
Genome position (GRCh38, 1-based): chr12:40,243,558, G>A. VCF-style: chr12-40243558-G-A. GRCh37 (hg19) VCF-style: chr12-40637360-G-A.
Other names: short protein forms V239M.
Identifiers: ClinVar variation 2562444 (VCV002562444.2), dbSNP rs2499455018, ClinGen allele CA384405735.